The following is an entry in ClinVar:

NM_017780.4(CHD7):c.6776-1G>A

Gene: CHD7 (chromodomain helicase DNA binding protein 7; plus strand). Cytogenetic location: 8q12.2.
Variant type: single nucleotide variant.
Coding change: c.6776-1G>A on transcript NM_017780.4 (MANE Select); the canonical splice acceptor site of the intron before coding-DNA position 6776, G replaced by A.
Molecular consequence: splice acceptor variant. On other transcripts: intron variant (1).
Genome position (GRCh38, 1-based): chr8:60,854,362, G>A. VCF-style: chr8-60854362-G-A. GRCh37 (hg19) VCF-style: chr8-61766921-G-A.
Other names: c.1717-7867G>A (NM_001316690.1).
Identifiers: ClinVar variation 2768781 (VCV002768781.3), dbSNP rs2488056320, ClinGen allele CA371294436.

ClinVar aggregate classification (germline): Likely pathogenic (1 of 4 stars; one submission).

Conditions:
CHARGE syndrome (CHARGE). Also called: Hittner Hirsch Kreh syndrome; CHARGE ASSOCIATION--COLOBOMA, HEART ANOMALY, CHOANAL ATRESIA, RETARDATION, GENITAL AND EAR ANOMALIES; Coloboma, heart anomaly, choanal atresia, retardation, genital and ear anomalies; CHARGE association; Hall-Hittner syndrome. Identifiers: Orphanet 138, MedGen C0265354, MONDO:0008965.

Submission:

Labcorp Genetics (formerly Invitae), Labcorp
Classification: Likely pathogenic for CHARGE syndrome. Last evaluated: 2023-10-15. Review status: criteria provided, single submitter. Criteria: Invitae Variant Classification Sherloc (09022015). Collection method: clinical testing. Allele origin: germline.
Comment: This sequence change affects an acceptor splice site in intron 31 of the CHD7 gene. It is expected to disrupt RNA splicing. Variants that disrupt the donor or acceptor splice site typically lead to a loss of protein function (PMID: 16199547), and loss-of-function variants in CHD7 are known to be pathogenic (PMID: 22461308, 25077900). This variant is not present in population databases (gnomAD no frequency). This variant has not been reported in the literature in individuals affected with CHD7-related conditions. Algorithms developed to predict the effect of sequence changes on RNA splicing suggest that this variant may disrupt the consensus splice site. In summary, the currently available evidence indicates that the variant is pathogenic, but additional data are needed to prove that conclusively. Therefore, this variant has been classified as Likely Pathogenic.

Literature cited by the submitters: PubMed 16199547; PubMed 22461308; PubMed 25077900.